The following is an entry in ClinVar:

NM_000057.4(BLM):c.2887C>A (p.His963Asn)

Gene: BLM (BLM RecQ like helicase; plus strand). Cytogenetic location: 15q26.1.
Variant type: single nucleotide variant.
Coding change: c.2887C>A on transcript NM_000057.4 (MANE Select); coding-DNA position 2887, C replaced by A.
Protein change: p.His963Asn; replaces histidine 963 with asparagine.
Molecular consequence: missense variant.
Genome position (GRCh38, 1-based): chr15:90,790,712, C>A. VCF-style: chr15-90790712-C-A. GRCh37 (hg19) VCF-style: chr15-91333942-C-A.
Other names: c.2887C>A, p.His963Asn (NM_001287246.2, NM_001287247.2); c.1762C>A, p.His588Asn (NM_001287248.2); short protein forms H963N, H588N.
Identifiers: ClinVar variation 1797234 (VCV001797234.8), dbSNP rs367543023, ClinGen allele CA393846347.

ClinVar aggregate classification (germline): Uncertain significance. Review status: criteria provided, multiple submitters, no conflicts (2 of 4 stars). 2 submissions from 2 submitters: Uncertain significance (2). Last evaluated 2025-10-07.

Conditions:
Hereditary cancer-predisposing syndrome. Also called: Tumor predisposition; Hereditary Cancer Syndrome; Neoplastic Syndromes, Hereditary; Hereditary neoplastic syndrome. Identifiers: Orphanet 140162, MedGen C0027672, MeSH D009386, MONDO:0015356.
Bloom syndrome (BLM). Also called: Bloom-Torre-Machacek syndrome. Identifiers: Orphanet 125, MedGen C0005859, MONDO:0008876, OMIM 210900.

Submissions (2):

Labcorp Genetics (formerly Invitae), Labcorp
Classification: Uncertain significance for Bloom syndrome. Last evaluated: 2025-10-07. Review status: criteria provided, single submitter. Criteria: Invitae Variant Classification Sherloc (09022015). Collection method: clinical testing. Allele origin: germline.
Comment: This sequence change replaces histidine, which is basic and polar, with asparagine, which is neutral and polar, at codon 963 of the BLM protein (p.His963Asn). This variant is not present in population databases (gnomAD no frequency). This variant has not been reported in the literature in individuals affected with BLM-related conditions. ClinVar contains an entry for this variant (Variation ID: 1797234). Invitae Evidence Modeling of protein sequence and biophysical properties (such as structural, functional, and spatial information, amino acid conservation, physicochemical variation, residue mobility, and thermodynamic stability) indicates that this missense variant is expected to disrupt BLM protein function with a positive predictive value of 80%. In summary, the available evidence is currently insufficient to determine the role of this variant in disease. Therefore, it has been classified as a Variant of Uncertain Significance.

Ambry Genetics
Classification: Uncertain significance for Hereditary cancer-predisposing syndrome. Last evaluated: 2025-05-27. Review status: criteria provided, single submitter. Criteria: Ambry Variant Classification Scheme 2023. Collection method: clinical testing. Allele origin: germline.
Comment: The p.H963N variant (also known as c.2887C>A), located in coding exon 14 of the BLM gene, results from a C to A substitution at nucleotide position 2887. The histidine at codon 963 is replaced by asparagine, an amino acid with similar properties. This amino acid position is highly conserved in available vertebrate species. In addition, the in silico prediction for this alteration is inconclusive. Since supporting evidence is limited at this time, the clinical significance of this alteration remains unclear.